The following is an entry in ClinVar:

NM_199420.4(POLQ):c.855C>T (p.Thr285=)

Gene: POLQ (DNA polymerase theta; minus strand). Cytogenetic location: 3q13.33.
Variant type: single nucleotide variant.
Coding change: c.855C>T on transcript NM_199420.4 (MANE Select); coding-DNA position 855, C replaced by T.
Protein change: p.Thr285=; no amino-acid change (threonine 285 retained).
Molecular consequence: synonymous variant.
Genome position (GRCh38, 1-based): chr3:121,533,095, G>A on the plus strand (C>T on the coding strand, the complement: POLQ is on the minus strand). VCF-style: chr3-121533095-G-A. GRCh37 (hg19) VCF-style: chr3-121251942-G-A.
Identifiers: ClinVar variation 1763851 (VCV001763851.4), dbSNP rs556803867, ClinGen allele CA2563709.

ClinVar aggregate classification (germline): Likely benign. Review status: criteria provided, single submitter (1 of 4 stars). 2 submissions from 2 submitters: Likely benign (1). 1 of the submissions does not count toward it. Last evaluated 2022-02-12.

Conditions:
POLQ-related disorder. Also called: POLQ-related condition.

Allele frequency attached by ClinVar (database versions not stated): ExAC 0.00053; 1000 Genomes Project 30x 0.00156; 1000 Genomes Project 0.00160.
gnomAD v4.1: 439 of 1,613,818 alleles (0.027%); highest among the groups gnomAD compares: South Asian, 0.42%; 3 homozygotes.

Submissions (2):

Ambry Genetics
Classification: Likely benign. Last evaluated: 2022-02-12. Review status: criteria provided, single submitter. Criteria: Ambry Variant Classification Scheme 2023. Collection method: clinical testing. Allele origin: germline.

PreventionGenetics, part of Exact Sciences
Classification: Likely benign for POLQ-related condition. Last evaluated: 2019-02-19. Review status: no assertion criteria provided. Collection method: clinical testing. Allele origin: germline. Not counted in ClinVar's aggregate classification.
Comment: This variant is classified as likely benign based on ACMG/AMP sequence variant interpretation guidelines (Richards et al. 2015 PMID: 25741868, with internal and published modifications).